The following is an entry in ClinVar:

NM_001379291.1(BRD4):c.2800_2808del (p.Gln934_Gln936del)

Gene: BRD4 (bromodomain containing 4; minus strand). Cytogenetic location: 19p13.12.
Variant type: Deletion.
Coding change: c.2800_2808del on transcript NM_001379291.1 (MANE Select); coding-DNA positions 2800 to 2808, 9 bases deleted (CAGCTGCAG; older notation c.2800_2808delCAGCTGCAG).
Protein change: p.Gln934_Gln936del.
Molecular consequence: inframe deletion.
Genome position (GRCh38, 1-based): chr19:15,243,261-15,243,269, CTGCAGCTG deleted on the plus strand (CAGCTGCAG on the coding strand, the reverse complement: BRD4 is on the minus strand); deleting any 9 consecutive bases within chr19:15,243,261-15,243,275 gives the same sequence; the c. name uses the placement nearest the transcript's 3' end. VCF-style (leftmost placement, unchanged base first): chr19-15243260-TCTGCAGCTG-T. GRCh37 (hg19) VCF-style: chr19-15354071-TCTGCAGCTG-T.
Other names: c.2800_2808del, p.Gln934_Gln936del (NM_058243.3).
Identifiers: ClinVar variation 1992409 (VCV001992409.4), dbSNP rs1195422874, ClinGen allele CA632128411.

ClinVar aggregate classification (germline): Uncertain significance. Review status: criteria provided, multiple submitters, no conflicts (2 of 4 stars). 3 submissions from 3 submitters: Uncertain significance (3). Last evaluated 2025-02-16.

Conditions:
De Lange syndrome (CDLS). Also called: Cornelia de Lange syndrome; CDL. Identifiers: Orphanet 199, MedGen C0270972, MONDO:0016033.

Submissions (3):

Laboratory of Genetics, Children's Clinical University Hospital Latvia
Classification: Uncertain significance. Last evaluated: 2025-02-16. Review status: criteria provided, single submitter. Criteria: ACMG Guidelines, 2015. Collection method: clinical testing. Allele origin: germline. Affected: yes.

Labcorp Genetics (formerly Invitae), Labcorp
Classification: Uncertain significance. Last evaluated: 2024-12-27. Review status: criteria provided, single submitter. Criteria: Invitae Variant Classification Sherloc (09022015). Collection method: clinical testing. Allele origin: germline.
Comment: This variant, c.2800_2808del, results in the deletion of 3 amino acid(s) of the BRD4 protein (p.Gln934_Gln936del), but otherwise preserves the integrity of the reading frame. This variant is present in population databases (no rsID available, gnomAD 0.008%). This variant has not been reported in the literature in individuals affected with BRD4-related conditions. ClinVar contains an entry for this variant (Variation ID: 1992409). Experimental studies and prediction algorithms are not available or were not evaluated, and the functional significance of this variant is currently unknown. In summary, the available evidence is currently insufficient to determine the role of this variant in disease. Therefore, it has been classified as a Variant of Uncertain Significance.

MVZ Martinsried, Medicover Genetics
Classification: Uncertain significance for De Lange syndrome. Last evaluated: 2022-08-26. Review status: criteria provided, single submitter. Criteria: ACGS Guidelines, 2020. Collection method: clinical testing. Allele origin: unknown. Affected: yes.